The following is an entry in ClinVar:

ClinVar aggregate classification (germline): Uncertain significance. Review status: criteria provided, multiple submitters, no conflicts (2 of 4 stars). 2 submissions from 2 submitters: Uncertain significance (2). Last evaluated 2024-10-22.

Conditions:
Aortic aneurysm, familial thoracic 7 (AAT7). Also called: AORTIC DISSECTION, FAMILIAL, WITH OR WITHOUT AORTIC ANEURYSM. Identifiers: MedGen C3151077, MONDO:0013418, OMIM 613780.
Familial thoracic aortic aneurysm and aortic dissection (TAAD). Also called: Thoracic aortic aneurysms and dissections. Identifiers: Orphanet 91387, MedGen C4707243, MONDO:0019625.

Allele frequency attached by ClinVar (database versions not stated): gnomAD exomes 0.00001; ExAC 0.00002.
gnomAD v4.1: 2 of 1,614,108 alleles (0.00012%); highest among the groups gnomAD compares: Middle Eastern, 0.016%; no homozygotes.

Submissions (2):

Labcorp Genetics (formerly Invitae), Labcorp
Classification: Uncertain significance for Aortic aneurysm, familial thoracic 7. Last evaluated: 2024-10-22. Review status: criteria provided, single submitter. Criteria: Invitae Variant Classification Sherloc (09022015). Collection method: clinical testing. Allele origin: germline.
Comment: This sequence change replaces lysine, which is basic and polar, with glutamic acid, which is acidic and polar, at codon 51 of the MYLK protein (p.Lys51Glu). This variant is present in population databases (rs759096954, gnomAD 0.02%). This variant has not been reported in the literature in individuals affected with MYLK-related conditions. ClinVar contains an entry for this variant (Variation ID: 852341). Invitae Evidence Modeling of protein sequence and biophysical properties (such as structural, functional, and spatial information, amino acid conservation, physicochemical variation, residue mobility, and thermodynamic stability) indicates that this missense variant is not expected to disrupt MYLK protein function with a negative predictive value of 95%. In summary, the available evidence is currently insufficient to determine the role of this variant in disease. Therefore, it has been classified as a Variant of Uncertain Significance.

Ambry Genetics
Classification: Uncertain significance for Familial thoracic aortic aneurysm and aortic dissection. Last evaluated: 2023-12-20. Review status: criteria provided, single submitter. Criteria: Ambry Variant Classification Scheme 2023. Collection method: clinical testing. Allele origin: germline.

NM_053025.4(MYLK):c.151A>G (p.Lys51Glu)

Genes: MYLK (myosin light chain kinase; minus strand), LOC126806792 (CDK7 strongly-dependent group 2 enhancer GRCh37_chr3:123511339-123512538; plus strand). Cytogenetic location: 3q21.1.
Variant type: single nucleotide variant.
Coding change: c.151A>G on transcript NM_053025.4 (MANE Select); coding-DNA position 151, A replaced by G.
Protein change: p.Lys51Glu; replaces lysine 51 with glutamic acid.
Molecular consequence: missense variant. On other transcripts: 5 prime UTR variant (1).
Genome position (GRCh38, 1-based): chr3:123,793,691, T>C on the plus strand (A>G on the coding strand, the complement: MYLK is on the minus strand). VCF-style: chr3-123793691-T-C. GRCh37 (hg19) VCF-style: chr3-123512538-T-C.
Other names: c.-170A>G (NM_001321309.2); c.151A>G, p.Lys51Glu (NM_053026.4, NM_053027.4, NM_053028.4); short protein forms K51E.
Identifiers: ClinVar variation 852341 (VCV000852341.8), dbSNP rs759096954, ClinGen allele CA067438.